The following is an entry in ClinVar:

ClinVar aggregate classification (germline): Benign/Likely benign. Review status: criteria provided, multiple submitters, no conflicts (2 of 4 stars). 2 submissions from 2 submitters: Benign (1); Likely benign (1). Last evaluated 2024-09-03.

Conditions:
Cerebral cavernous malformation (CCM). Also called: CAVERNOUS ANGIOMA, FAMILIAL; CAVERNOUS ANGIOMATOUS MALFORMATIONS; CEREBRAL CAPILLARY MALFORMATIONS; Cerebral cavernous hemangioma (type); Cerebral cavernous malformations; Cavernous Hemangioma of Brain. Identifiers: Orphanet 221061, MedGen C2919945, MONDO:0000820, OMIM 116860, HP:0033522.

Allele frequency attached by ClinVar (database versions not stated): gnomAD exomes 0.00008 and 0.00024; ExAC 0.00041; TOPMed 0.00090; gnomAD 0.00091 and 0.00097; ESP Exome Variant Server 0.00092; 1000 Genomes Project 30x 0.00156; 1000 Genomes Project 0.00160.
gnomAD v4.1: 251 of 1,559,306 alleles (0.016%); highest among the groups gnomAD compares: African/African-American, 0.31%; 1 homozygote.

Submissions (2):

Labcorp Genetics (formerly Invitae), Labcorp
Classification: Benign for Cerebral cavernous malformation. Last evaluated: 2024-09-03. Review status: criteria provided, single submitter. Criteria: Invitae Variant Classification Sherloc (09022015). Collection method: clinical testing. Allele origin: germline.

GeneDx
Classification: Likely benign. Last evaluated: 2018-02-13. Review status: criteria provided, single submitter. Criteria: GeneDx Variant Classification (06012015). Collection method: clinical testing. Allele origin: germline. Affected: yes.
Comment: This variant is considered likely benign or benign based on one or more of the following criteria: it is a conservative change, it occurs at a poorly conserved position in the protein, it is predicted to be benign by multiple in silico algorithms, and/or has population frequency not consistent with disease.

NM_194454.3(KRIT1):c.1819-12G>C

Gene: KRIT1 (KRIT1 ankyrin repeat containing; minus strand). Cytogenetic location: 7q21.2.
Variant type: single nucleotide variant.
Coding change: c.1819-12G>C on transcript NM_194454.3 (MANE Select); 12 bases into the intron before coding-DNA position 1819, G replaced by C.
Molecular consequence: intron variant.
Genome position (GRCh38, 1-based): chr7:92,213,413, C>G on the plus strand (G>C on the coding strand, the complement: KRIT1 is on the minus strand). VCF-style: chr7-92213413-C-G. GRCh37 (hg19) VCF-style: chr7-91842727-C-G.
Other names: c.1819-12G>C (NM_001350672.1, NM_001350676.1, NM_001350673.1 and 26 more transcripts); c.1675-12G>C (NM_001350669.1, NM_001013406.2, NM_001350670.1); c.1105-12G>C (NM_001350671.1).
Identifiers: ClinVar variation 515565 (VCV000515565.9), dbSNP rs199748245, ClinGen allele CA4339015.
Genomic context (GRCh38, chr7:92,213,413, plus strand): 5'-GCTGAAGGTGATGCATTTCTTTACTGACACCTTCACTTGTACTGAGATTCTAAAAACAAA[C>G]AAGGTAAATTAAAAATAAAAGAGATATGAAAGGAAAATGTACCATTGATAATCCAAATAG-3'